The following is an entry in ClinVar:

ClinVar aggregate classification (germline): Uncertain significance (1 of 4 stars; one submission).

Conditions:
Charcot-Marie-Tooth disease type 2. Also called: Charcot-Marie-Tooth type 2. Identifiers: Orphanet 64746, MedGen C0270914, MONDO:0018993.

Submission:

Labcorp Genetics (formerly Invitae), Labcorp
Classification: Uncertain significance for Charcot-Marie-Tooth disease type 2. Last evaluated: 2024-06-30. Review status: criteria provided, single submitter. Criteria: Invitae Variant Classification Sherloc (09022015). Collection method: clinical testing. Allele origin: germline.
Comment: This sequence change falls in intron 46 of the KIF1B gene. It does not directly change the encoded amino acid sequence of the KIF1B protein. This variant is not present in population databases (gnomAD no frequency). This variant has not been reported in the literature in individuals affected with KIF1B-related conditions. Algorithms developed to predict the effect of sequence changes on RNA splicing suggest that this variant may disrupt the consensus splice site. In summary, the available evidence is currently insufficient to determine the role of this variant in disease. Therefore, it has been classified as a Variant of Uncertain Significance.

NM_001365951.3(KIF1B):c.5409-12T>G

Gene: KIF1B (kinesin family member 1B; plus strand). Cytogenetic location: 1p36.22.
Variant type: single nucleotide variant.
Coding change: c.5409-12T>G on transcript NM_001365951.3 (MANE Select); 12 bases into the intron before coding-DNA position 5409, T replaced by G.
Molecular consequence: intron variant.
Genome position (GRCh38, 1-based): chr1:10,376,533, T>G. VCF-style: chr1-10376533-T-G. GRCh37 (hg19) VCF-style: chr1-10436591-T-G.
Other names: c.5271-12T>G (NM_015074.3); c.5409-12T>G (NM_001365952.1).
Identifiers: ClinVar variation 3609404 (VCV003609404.2).